The following is an entry in ClinVar:

NM_007194.4(CHEK2):c.53G>C (p.Cys18Ser)

Gene: CHEK2 (checkpoint kinase 2; minus strand). Cytogenetic location: 22q12.1.
Variant type: single nucleotide variant.
Coding change: c.53G>C on transcript NM_007194.4 (MANE Select); coding-DNA position 53, G replaced by C.
Protein change: p.Cys18Ser; replaces cysteine 18 with serine.
Molecular consequence: missense variant.
Genome position (GRCh38, 1-based): chr22:28,734,669, C>G on the plus strand (G>C on the coding strand, the complement: CHEK2 is on the minus strand). VCF-style: chr22-28734669-C-G. GRCh37 (hg19) VCF-style: chr22-29130657-C-G.
Other names: c.53G>C, p.Cys18Ser (NM_001005735.3, NM_001349956.3, NM_145862.3); c.-725G>C (NM_001257387.3); short protein forms C18S.
Identifiers: ClinVar variation 491618 (VCV000491618.17), dbSNP rs151218932, ClinGen allele CA411091856.

ClinVar aggregate classification (germline): Conflicting classifications of pathogenicity. Review status: criteria provided, conflicting classifications (1 of 4 stars). 3 submissions from 3 submitters: Uncertain significance (2); Likely benign (1). Last evaluated 2024-02-28.

Conditions:
Familial cancer of breast. Also called: Hereditary breast cancer; hereditary breast carcinoma; BREAST CANCER, FAMILIAL. Identifiers: Orphanet 227535, MedGen C0346153, MONDO:0016419, OMIM 114480. Disease mechanism: loss of function.
Hereditary cancer-predisposing syndrome. Also called: Hereditary neoplastic syndrome; Tumor predisposition; Hereditary Cancer Syndrome; Neoplastic Syndromes, Hereditary. Identifiers: Orphanet 140162, MedGen C0027672, MeSH D009386, MONDO:0015356.

Submissions (3):

Ambry Genetics
Classification: Likely benign for Hereditary cancer-predisposing syndrome. Last evaluated: 2024-02-28. Review status: criteria provided, single submitter. Criteria: Ambry Variant Classification Scheme 2023. Collection method: clinical testing. Allele origin: germline.

Color Diagnostics, LLC DBA Color Health
Classification: Uncertain significance for Hereditary cancer-predisposing syndrome. Last evaluated: 2021-07-08. Review status: criteria provided, single submitter. Criteria: ACMG Guidelines, 2015. Collection method: clinical testing. Allele origin: germline.
Comment: This missense variant replaces cysteine with serine at codon 18 of the CHEK2 protein. Computational prediction suggests that this variant may not impact protein structure and function (internally defined REVEL score threshold <= 0.5, PMID: 27666373). To our knowledge, functional studies have not been reported for this variant. This variant has not been reported in individuals affected with hereditary cancer in the literature. This variant has not been identified in the general population by the Genome Aggregation Database (gnomAD). The available evidence is insufficient to determine the role of this variant in disease conclusively. Therefore, this variant is classified as a Variant of Uncertain Significance.

Labcorp Genetics (formerly Invitae), Labcorp
Classification: Uncertain significance for Familial cancer of breast. Last evaluated: 2019-04-13. Review status: criteria provided, single submitter. Criteria: Invitae Variant Classification Sherloc (09022015). Collection method: clinical testing. Allele origin: germline.
Comment: This variant has not been reported in the literature in individuals with CHEK2-related conditions. ClinVar contains an entry for this variant (Variation ID: 491618). This sequence change replaces cysteine with serine at codon 18 of the CHEK2 protein (p.Cys18Ser). The cysteine residue is moderately conserved and there is a moderate physicochemical difference between cysteine and serine. This variant is not present in population databases (ExAC no frequency). Algorithms developed to predict the effect of missense changes on protein structure and function output the following: SIFT: "Deleterious"; PolyPhen-2: "Benign"; Align-GVGD: "Class C0". The serine amino acid residue is found in multiple mammalian species, suggesting that this missense change does not adversely affect protein function. These predictions have not been confirmed by published functional studies and their clinical significance is uncertain. In summary, the available evidence is currently insufficient to determine the role of this variant in disease. Therefore, it has been classified as a Variant of Uncertain Significance.